The following is an entry in ClinVar:

ClinVar aggregate classification (germline): Likely pathogenic (1 of 4 stars; one submission).

Submission:

OLLIN Analises Genomicas, OLLIN
Classification: Likely pathogenic. Last evaluated: 2026-08-06. Review status: criteria provided, single submitter. Criteria: ACMG Guidelines 2015 PMID 25741868. Collection method: clinical testing. Allele origin: germline.
Comment: This frameshift variant, located in exon 40 (of 42), is absent from gnomAD and ClinVar and has not been identified in the literature. This variant causes a frameshift and introduces a premature stop codon, which is predicted to result in either a truncated protein or degradation of the mRNA via nonsense-mediated decay (NMD). According to the currently available evidence, this variant has been classified as likely pathogenic (PVS1, PM2_P).

NM_006828.4(ASCC3):c.6110del (p.Asn2037fs)

Gene: ASCC3 (activating signal cointegrator 1 complex subunit 3; minus strand). Cytogenetic location: 6q16.3.
Variant type: Deletion.
Coding change: c.6110del on transcript NM_006828.4 (MANE Select); coding-DNA position 6110, one base deleted (A; older notation c.6110delA).
Protein change: p.Asn2037fs; shifts the reading frame from asparagine 2037.
Molecular consequence: frameshift variant.
Genome position (GRCh38, 1-based): chr6:100,512,884, T deleted on the plus strand (A on the coding strand, the reverse complement: ASCC3 is on the minus strand); the first of 3 consecutive T bases (chr6:100,512,884-100,512,886); deleting any one gives the same sequence. VCF-style (leftmost placement, unchanged base first): chr6-100512883-AT-A. GRCh37 (hg19) VCF-style: chr6-100960759-AT-A.
Other names: short protein forms N2037fs.
Identifiers: ClinVar variation 5003188 (VCV005003188.1).
Genomic context (GRCh38, chr6:100,512,883, plus strand): 5'-AGAGAGTTCATTATGTCCTTCAACTAAGTCATCCCACGAGCCTTTAACACTTATGCCAAC[AT>A]TTATCACTGGCAAGTGAGATAAGAAATTCCATGCCTAAATAAAAAGAGAAAAGAAACAAT-3'